The following is an entry in ClinVar:

NM_000051.4(ATM):c.5178-7T>C

Gene: ATM (ATM serine/threonine kinase; plus strand). Cytogenetic location: 11q22.3.
Variant type: single nucleotide variant.
Coding change: c.5178-7T>C on transcript NM_000051.4 (MANE Select); 7 bases into the intron before coding-DNA position 5178, T replaced by C.
Molecular consequence: intron variant.
Genome position (GRCh38, 1-based): chr11:108,301,641, T>C. VCF-style: chr11-108301641-T-C. GRCh37 (hg19) VCF-style: chr11-108172368-T-C.
Other names: c.5178-7T>C (NM_001351834.2).
Identifiers: ClinVar variation 524474 (VCV000524474.16), dbSNP rs1555105564, ClinGen allele CA658797740.

ClinVar aggregate classification (germline): Conflicting classifications of pathogenicity. Review status: criteria provided, conflicting classifications (1 of 4 stars). 5 submissions from 5 submitters: Uncertain significance (2); Likely benign (3). Last evaluated 2025-10-30.

Conditions:
ATM-related disorder. Also called: ATM-related disorders; ATM-related condition.
Familial cancer of breast. Also called: hereditary breast carcinoma; Hereditary breast cancer; BREAST CANCER, FAMILIAL. Identifiers: Orphanet 227535, MedGen C0346153, MONDO:0016419, OMIM 114480. Disease mechanism: loss of function.
Ataxia-telangiectasia syndrome (AT). Also called: Ataxia-telangiectasia, complementation group D; Ataxia-telangiectasia, complementation group E; LOUIS-BAR SYNDROME; Ataxia telangiectasia (A-T); Cerebello-oculocutaneous telangiectasia; Immunodeficiency with ataxia telangiectasia. Identifiers: Orphanet 100, MedGen C0004135, MONDO:0008840, OMIM 208900.
Breast and/or ovarian cancer. Identifiers: MedGen CN221562.

Allele frequency attached by ClinVar (database versions not stated): gnomAD exomes below 0.00001.
gnomAD v4.1: 4 of 1,613,588 alleles (0.00025%); highest among the groups gnomAD compares: Non-Finnish European, 0.00034%; no homozygotes.

Submissions (5):

Labcorp Genetics (formerly Invitae), Labcorp
Classification: Likely benign for Ataxia-telangiectasia syndrome. Last evaluated: 2025-10-30. Review status: criteria provided, single submitter. Criteria: Invitae Variant Classification Sherloc (09022015). Collection method: clinical testing. Allele origin: germline.

PreventionGenetics, part of Exact Sciences
Classification: Likely benign for ATM-related condition. Last evaluated: 2025-09-03. Review status: criteria provided, single submitter. Criteria: ACMG Guidelines, 2015. Collection method: clinical testing. Allele origin: germline.
Comment: This variant is classified as likely benign based on ACMG/AMP sequence variant interpretation guidelines (Richards et al. 2015 PMID: 25741868, with internal and published modifications).

Myriad Genetics, Inc.
Classification: Likely benign for Familial cancer of breast. Last evaluated: 2024-05-22. Review status: criteria provided, single submitter. Criteria: Myriad Autosomal Dominant, Autosomal Recessive and X-Linked Classification Criteria (2023). Collection method: clinical testing. Allele origin: unknown.
Comment: This variant is considered likely benign. This variant is intronic and is not expected to impact mRNA splicing.

CHEO Genetics Diagnostic Laboratory, Children's Hospital of Eastern Ontario
Classification: Uncertain significance for Breast and/or ovarian cancer. Last evaluated: 2022-02-23. Review status: criteria provided, single submitter. Criteria: ACMG Guidelines, 2015. Collection method: clinical testing. Allele origin: germline.

GeneDx
Classification: Uncertain significance. Last evaluated: 2020-03-27. Review status: criteria provided, single submitter. Criteria: GeneDx Variant Classification Process June 2021. Collection method: clinical testing. Allele origin: germline. Affected: yes.
Comment: Not observed in large population cohorts (Lek et al., 2016); In silico analysis supports that this variant does not alter splicing; Has not been previously published as pathogenic or benign to our knowledge